The following is an entry in ClinVar:

NM_007194.4(CHEK2):c.1580C>T (p.Ala527Val)

Gene: CHEK2 (checkpoint kinase 2; minus strand). Cytogenetic location: 22q12.1.
Variant type: single nucleotide variant.
Coding change: c.1580C>T on transcript NM_007194.4 (MANE Select); coding-DNA position 1580, C replaced by T.
Protein change: p.Ala527Val; replaces alanine 527 with valine.
Molecular consequence: missense variant.
Genome position (GRCh38, 1-based): chr22:28,687,949, G>A on the plus strand (C>T on the coding strand, the complement: CHEK2 is on the minus strand). VCF-style: chr22-28687949-G-A. GRCh37 (hg19) VCF-style: chr22-29083937-G-A.
Other names: c.1709C>T, p.Ala570Val (NM_001005735.3); c.917C>T, p.Ala306Val (NM_001257387.3); c.1379C>T, p.Ala460Val (NM_001349956.3); c.1493C>T, p.Ala498Val (NM_145862.3); short protein forms A306V, A498V, A527V, A570V, A460V.
Identifiers: ClinVar variation 819583 (VCV000819583.15), dbSNP rs1601697744, ClinGen allele CA411091253.
Genomic context (GRCh38, chr22:28,687,949, plus strand): 5'-CACGGAGTTCACAACACAGCAGCACACACAGCTGGGCGCTTTGTGGTCTCGGCACCCTCG[G>A]CTTCCCCTTCACGGGGCCGCTTTCGACTAGTAGAAGGCTGAAAATAAAGGAAAATGGAGA-3'
Protein context (NP_009125.1, residues 517-537): TSRKRPREGE[Ala527Val]EGAETTKRPA

ClinVar aggregate classification (germline): Uncertain significance. Review status: criteria provided, multiple submitters, no conflicts (2 of 4 stars). 2 submissions from 2 submitters: Uncertain significance (2). Last evaluated 2022-01-17.

Conditions:
Hereditary cancer-predisposing syndrome. Also called: Neoplastic Syndromes, Hereditary; Tumor predisposition; Hereditary Cancer Syndrome; Hereditary neoplastic syndrome. Identifiers: Orphanet 140162, MedGen C0027672, MeSH D009386, MONDO:0015356.
Familial cancer of breast. Also called: BREAST CANCER, FAMILIAL; Hereditary breast cancer; hereditary breast carcinoma. Identifiers: Orphanet 227535, MedGen C0346153, MONDO:0016419, OMIM 114480. Disease mechanism: loss of function.

Submissions (2):

Labcorp Genetics (formerly Invitae), Labcorp
Classification: Uncertain significance for Familial cancer of breast. Last evaluated: 2022-01-17. Review status: criteria provided, single submitter. Criteria: Invitae Variant Classification Sherloc (09022015). Collection method: clinical testing. Allele origin: germline.
Comment: This sequence change replaces alanine, which is neutral and non-polar, with valine, which is neutral and non-polar, at codon 527 of the CHEK2 protein (p.Ala527Val). In summary, the available evidence is currently insufficient to determine the role of this variant in disease. Therefore, it has been classified as a Variant of Uncertain Significance. Algorithms developed to predict the effect of missense changes on protein structure and function output the following: SIFT: "Tolerated"; PolyPhen-2: "Benign"; Align-GVGD: "Class C0". The valine amino acid residue is found in multiple mammalian species, which suggests that this missense change does not adversely affect protein function. ClinVar contains an entry for this variant (Variation ID: 819583). This variant has not been reported in the literature in individuals affected with CHEK2-related conditions. This variant is not present in population databases (gnomAD no frequency).

Ambry Genetics
Classification: Uncertain significance for Hereditary cancer-predisposing syndrome. Last evaluated: 2018-10-29. Review status: criteria provided, single submitter. Criteria: Ambry Variant Classification Scheme 2023. Collection method: clinical testing. Allele origin: germline.
Comment: The p.A527V variant (also known as c.1580C>T), located in coding exon 14 of the CHEK2 gene, results from a C to T substitution at nucleotide position 1580. The alanine at codon 527 is replaced by valine, an amino acid with similar properties. This amino acid position is not well conserved in available vertebrate species. In addition, this alteration is predicted to be tolerated by in silico analysis. Since supporting evidence is limited at this time, the clinical significance of this alteration remains unclear.